The following is an entry in ClinVar:

ClinVar aggregate classification (germline): Likely benign (1 of 4 stars; one submission).

Conditions:
Long QT syndrome (LQTS). Identifiers: MedGen C0023976, MeSH D008133, MONDO:0002442. Disease mechanism: loss of function. Inheritance: Various modes of inheritance.

gnomAD v4.1: 5 of 1,612,982 alleles (0.00031%); highest among the groups gnomAD compares: Non-Finnish European, 0.00042%; no homozygotes.

Submission:

All of Us Research Program, National Institutes of Health
Classification: Likely benign for Long QT syndrome. Last evaluated: 2023-08-28. Review status: criteria provided, single submitter. Criteria: ACMG Guidelines, 2015. Collection method: clinical testing. Allele origin: germline. Inheritance: Autosomal dominant inheritance. Observed: 1 variant allele, 1 heterozygote.
Comment: This study involves interpretation of variants in research participants for the purpose of population health screening. Participant phenotype was not available at the time of variant classification. Additional details can be found in publication PMID: 35346344, PMCID: PMC8962531

NM_000218.3(KCNQ1):c.645G>T (p.Val215=)

Gene: KCNQ1 (potassium voltage-gated channel subfamily Q member 1; plus strand). Cytogenetic location: 11p15.5.
Variant type: single nucleotide variant.
Coding change: c.645G>T on transcript NM_000218.3 (MANE Select); coding-DNA position 645, G replaced by T.
Protein change: p.Val215=; no amino-acid change (valine 215 retained).
Molecular consequence: synonymous variant. On other transcripts: intron variant (1).
Genome position (GRCh38, 1-based): chr11:2,571,365, G>T. VCF-style: chr11-2571365-G-T. GRCh37 (hg19) VCF-style: chr11-2592595-G-T.
Other names: c.645G>T, p.Val215= (NM_001406836.1); c.375G>T, p.Val125= (NM_001406837.1); c.264G>T, p.Val88= (NM_181798.2); c.478-12070G>T (NM_001406838.1).
Identifiers: ClinVar variation 3386924 (VCV003386924.1).